The following is an entry in ClinVar:

ClinVar aggregate classification (germline): Uncertain significance (1 of 4 stars; one submission).

Conditions:
Emery-Dreifuss muscular dystrophy 4, autosomal dominant (EDMD4). Also called: EMERY-DREIFUSS MUSCULAR DYSTROPHY 4 WITH VARIABLE FEATURES. Identifiers: Orphanet 261, MedGen C2751807, MONDO:0013071, OMIM 612998.
Autosomal recessive ataxia, Beauce type. Also called: Spinocerebellar ataxia, autosomal recessive 8; ATAXIA, RECESSIVE, OF BEAUCE; SYNE1 Deficiency; SYNE1-Related Autosomal Recessive Cerebellar Ataxia. Identifiers: Orphanet 88644, MedGen C1853116, MONDO:0012549, OMIM 610743.

Submission:

Labcorp Genetics (formerly Invitae), Labcorp
Classification: Uncertain significance for Emery-Dreifuss muscular dystrophy 4, autosomal dominant; Autosomal recessive ataxia, Beauce type. Last evaluated: 2022-06-13. Review status: criteria provided, single submitter. Criteria: Invitae Variant Classification Sherloc (09022015). Collection method: clinical testing. Allele origin: germline.
Comment: In summary, the available evidence is currently insufficient to determine the role of this variant in disease. Therefore, it has been classified as a Variant of Uncertain Significance. Variants that disrupt the consensus splice site are a relatively common cause of aberrant splicing (PMID: 17576681, 9536098). Algorithms developed to predict the effect of sequence changes on RNA splicing suggest that this variant may disrupt the consensus splice site. This variant has not been reported in the literature in individuals affected with SYNE1-related conditions. This variant is not present in population databases (gnomAD no frequency). This sequence change affects codon 6253 of the SYNE1 mRNA. It is a 'silent' change, meaning that it does not change the encoded amino acid sequence of the SYNE1 protein. This variant also falls at the last nucleotide of exon 100, which is part of the consensus splice site for this exon.

Literature cited by the submitters: PubMed 17576681; PubMed 9536098.

NM_182961.4(SYNE1):c.18972G>C (p.Val6324=)

Gene: SYNE1 (spectrin repeat containing nuclear envelope protein 1; minus strand). Cytogenetic location: 6q25.2.
Variant type: single nucleotide variant.
Coding change: c.18972G>C on transcript NM_182961.4 (MANE Select); coding-DNA position 18972, G replaced by C.
Protein change: p.Val6324=; no amino-acid change (valine 6324 retained).
Molecular consequence: synonymous variant.
Genome position (GRCh38, 1-based): chr6:152,262,032, C>G on the plus strand (G>C on the coding strand, the complement: SYNE1 is on the minus strand). VCF-style: chr6-152262032-C-G. GRCh37 (hg19) VCF-style: chr6-152583167-C-G.
Other names: c.18759G>C, p.Val6253= (NM_033071.5).
Identifiers: ClinVar variation 1411785 (VCV001411785.6), dbSNP rs1316935433, ClinGen allele CA452747031.